The following is an entry in ClinVar:

ClinVar aggregate classification (germline): Conflicting classifications of pathogenicity. Review status: criteria provided, conflicting classifications (1 of 4 stars). 2 submissions from 2 submitters: Uncertain significance (1); Likely benign (1). Last evaluated 2023-03-23.

Conditions:
Hereditary cancer-predisposing syndrome. Also called: Hereditary Cancer Syndrome; Hereditary neoplastic syndrome; Neoplastic Syndromes, Hereditary; Tumor predisposition. Identifiers: Orphanet 140162, MedGen C0027672, MeSH D009386, MONDO:0015356.
Hereditary breast ovarian cancer syndrome. Also called: Hereditary breast and ovarian cancer; Hereditary breast and ovarian cancer syndrome; Hereditary breast and ovarian cancer syndrome (HBOC); Hereditary breast and/or ovarian cancer syndrome; Breast and ovarian cancer; BRCA1- and BRCA2-Associated Hereditary Breast and Ovarian Cancer. Identifiers: Orphanet 145, MedGen C0677776, MeSH D061325, MONDO:0003582. Disease mechanism: loss of function.

Submissions (2):

University of Washington Department of Laboratory Medicine, University of Washington
Classification: Likely benign for Hereditary cancer-predisposing syndrome. Last evaluated: 2023-03-23. Review status: criteria provided, single submitter. Criteria: Dines et al. (Genet Med. 2020). Collection method: curation. Allele origin: germline.
Comment: Missense variant in a coldspot region where missense variants are very unlikely to be pathogenic (PMID:31911673).

BRCA2 exon 11 coldspot. Reclassification based on statistical prior probability.

Labcorp Genetics (formerly Invitae), Labcorp
Classification: Uncertain significance for Hereditary breast ovarian cancer syndrome. Last evaluated: 2022-05-16. Review status: criteria provided, single submitter. Criteria: Invitae Variant Classification Sherloc (09022015). Collection method: clinical testing. Allele origin: germline.
Comment: This sequence change replaces valine, which is neutral and non-polar, with alanine, which is neutral and non-polar, at codon 842 of the BRCA2 protein (p.Val842Ala). This variant is not present in population databases (gnomAD no frequency). This variant has not been reported in the literature in individuals affected with BRCA2-related conditions. Advanced modeling of protein sequence and biophysical properties (such as structural, functional, and spatial information, amino acid conservation, physicochemical variation, residue mobility, and thermodynamic stability) performed at Invitae indicates that this missense variant is not expected to disrupt BRCA2 protein function. In summary, the available evidence is currently insufficient to determine the role of this variant in disease. Therefore, it has been classified as a Variant of Uncertain Significance.

NM_000059.4(BRCA2):c.2525T>C (p.Val842Ala)

Gene: BRCA2 (BRCA2 DNA repair associated; plus strand). Cytogenetic location: 13q13.1.
Variant type: single nucleotide variant.
Coding change: c.2525T>C on transcript NM_000059.4 (MANE Select); coding-DNA position 2525, T replaced by C.
Protein change: p.Val842Ala; replaces valine 842 with alanine.
Molecular consequence: missense variant.
Genome position (GRCh38, 1-based): chr13:32,336,880, T>C. VCF-style: chr13-32336880-T-C. GRCh37 (hg19) VCF-style: chr13-32911017-T-C.
Other names: c.2525T>C, p.Val842Ala (NM_001406719.1, NM_001406720.1); short protein forms V842A.
Identifiers: ClinVar variation 1918672 (VCV001918672.7), dbSNP rs2137487379, ClinGen allele CA387772476.
Genomic context (GRCh38, chr13:32,336,880, plus strand): 5'-GTGCTTTAAATGAAAATTATAAAAACGTTGAGCTGTTGCCACCTGAAAAATACATGAGAG[T>C]AGCATCACCTTCAAGAAAGGTACAATTCAACCAAAACACAAATCTAAGAGTAATCCAAAA-3'
Protein context (NP_000050.3, residues 832-852): ELLPPEKYMR[Val842Ala]ASPSRKVQFN